The following is an entry in ClinVar:

NM_022124.6(CDH23):c.6226G>A (p.Val2076Ile)

Gene: CDH23 (cadherin related 23; plus strand). Cytogenetic location: 10q22.1.
Variant type: single nucleotide variant.
Coding change: c.6226G>A on transcript NM_022124.6 (MANE Select); coding-DNA position 6226, G replaced by A.
Protein change: p.Val2076Ile; replaces valine 2076 with isoleucine.
Molecular consequence: missense variant.
Genome position (GRCh38, 1-based): chr10:71,791,308, G>A. VCF-style: chr10-71791308-G-A. GRCh37 (hg19) VCF-style: chr10-73551065-G-A.
Other names: short protein forms V2076I.
Identifiers: ClinVar variation 3903303 (VCV003903303.1).

ClinVar aggregate classification (germline): Uncertain significance (1 of 4 stars; one submission).

gnomAD v4.1: 1 of 1,613,758 alleles (0.000062%); highest among the groups gnomAD compares: Admixed American, 0.0017%; no homozygotes.

Submission:

GeneDx
Classification: Uncertain significance. Last evaluated: 2024-12-10. Review status: criteria provided, single submitter. Criteria: GeneDx Variant Classification Process June 2021. Collection method: clinical testing. Allele origin: germline. Affected: yes.
Comment: Not observed at significant frequency in large population cohorts (gnomAD); In silico analysis indicates that this missense variant does not alter protein structure/function; Has not been previously published as pathogenic or benign to our knowledge